The following is an entry in ClinVar:

NM_024915.4(GRHL2):c.1542G>A (p.Met514Ile)

Genes: GRHL2 (grainyhead like transcription factor 2; plus strand), LOC126860461 (CDK7 strongly-dependent group 2 enhancer GRCh37_chr8:102655529-102656728; plus strand). Cytogenetic location: 8q22.3.
Variant type: single nucleotide variant.
Coding change: c.1542G>A on transcript NM_024915.4 (MANE Select); coding-DNA position 1542, G replaced by A.
Protein change: p.Met514Ile; replaces methionine 514 with isoleucine.
Molecular consequence: missense variant.
Genome position (GRCh38, 1-based): chr8:101,644,155, G>A. VCF-style: chr8-101644155-G-A. GRCh37 (hg19) VCF-style: chr8-102656383-G-A.
Other names: c.1494G>A, p.Met498Ile (NM_001330593.2); short protein forms M514I, M498I.
Identifiers: ClinVar variation 2807276 (VCV002807276.3), dbSNP rs1284330202, ClinGen allele CA371591782.

ClinVar aggregate classification (germline): Uncertain significance (1 of 4 stars; one submission).

Allele frequency attached by ClinVar (database versions not stated): TOPMed 0.00001.
gnomAD v4.1: 1 of 1,614,086 alleles (0.000062%); highest among the groups gnomAD compares: African/African-American, 0.0013%; no homozygotes.

Submission:

Labcorp Genetics (formerly Invitae), Labcorp
Classification: Uncertain significance. Last evaluated: 2022-11-17. Review status: criteria provided, single submitter. Criteria: Invitae Variant Classification Sherloc (09022015). Collection method: clinical testing. Allele origin: germline.
Comment: In summary, the available evidence is currently insufficient to determine the role of this variant in disease. Therefore, it has been classified as a Variant of Uncertain Significance. Advanced modeling of protein sequence and biophysical properties (such as structural, functional, and spatial information, amino acid conservation, physicochemical variation, residue mobility, and thermodynamic stability) performed at Invitae indicates that this missense variant is not expected to disrupt GRHL2 protein function. This variant has not been reported in the literature in individuals affected with GRHL2-related conditions. This variant is not present in population databases (gnomAD no frequency). This sequence change replaces methionine, which is neutral and non-polar, with isoleucine, which is neutral and non-polar, at codon 514 of the GRHL2 protein (p.Met514Ile).